The following is an entry in ClinVar:

NM_006231.4(POLE):c.1467C>G (p.Pro489=)

Gene: POLE (DNA polymerase epsilon, catalytic subunit; minus strand). Cytogenetic location: 12q24.33.
Variant type: single nucleotide variant.
Coding change: c.1467C>G on transcript NM_006231.4 (MANE Select); coding-DNA position 1467, C replaced by G.
Protein change: p.Pro489=; no amino-acid change (proline 489 retained).
Molecular consequence: synonymous variant.
Genome position (GRCh38, 1-based): chr12:132,673,170, G>C on the plus strand (C>G on the coding strand, the complement: POLE is on the minus strand). VCF-style: chr12-132673170-G-C. GRCh37 (hg19) VCF-style: chr12-133249756-G-C.
Identifiers: ClinVar variation 1773276 (VCV001773276.3), dbSNP rs995585765, ClinGen allele CA482722653.

ClinVar aggregate classification (germline): Benign/Likely benign. Review status: criteria provided, multiple submitters, no conflicts (2 of 4 stars). 2 submissions from 2 submitters: Benign (1); Likely benign (1). Last evaluated 2025-02-11.

Conditions:
Colorectal cancer, susceptibility to, 12 (CRCS12). Also called: COLORECTAL CANCER, SUSCEPTIBILITY TO, ON CHROMOSOME 12q24. Identifiers: Orphanet 220460, MedGen C3554460, MONDO:0014038, OMIM 615083.
Hereditary cancer-predisposing syndrome. Also called: Hereditary Cancer Syndrome; Hereditary neoplastic syndrome; Neoplastic Syndromes, Hereditary; Tumor predisposition. Identifiers: Orphanet 140162, MedGen C0027672, MeSH D009386, MONDO:0015356.

Submissions (2):

Myriad Genetics, Inc.
Classification: Benign for Colorectal cancer, susceptibility to, 12. Last evaluated: 2025-02-11. Review status: criteria provided, single submitter. Criteria: Myriad Autosomal Dominant, Autosomal Recessive and X-Linked Classification Criteria (2023). Collection method: clinical testing. Allele origin: unknown.
Comment: This variant is considered benign. This variant is a silent/synonymous amino acid change and it is not expected to impact splicing.

Ambry Genetics
Classification: Likely benign for Hereditary cancer-predisposing syndrome. Last evaluated: 2020-03-13. Review status: criteria provided, single submitter. Criteria: Ambry Variant Classification Scheme 2023. Collection method: clinical testing. Allele origin: germline.